The following is an entry in ClinVar:

ClinVar aggregate classification (germline): Uncertain significance (1 of 4 stars; one submission).

Conditions:
Cerebellar dysfunction with variable cognitive and behavioral abnormalities (CECBA). Also called: Nonprogressive cerebellar atxia with intellectual disability. Identifiers: Orphanet 314647, MedGen C3553661, MONDO:0013886, OMIM 614756.

gnomAD v4.1: 3 of 1,613,196 alleles (0.00019%); highest among the groups gnomAD compares: Non-Finnish European, 0.00025%; no homozygotes.

Submission:

Neuberg Centre For Genomic Medicine, NCGM
Classification: Uncertain significance for Cerebellar dysfunction with variable cognitive and behavioral abnormalities. Review status: criteria provided, single submitter. Criteria: ACMG Guidelines, 2015. Collection method: clinical testing. Allele origin: germline. Inheritance: Autosomal dominant inheritance. Affected: yes.
Comment: The observed missense variant c.1999G>A(p.Glu667Lys) in CAMTA1 gene has not been reported previously as a pathogenic variantnor as a benign variant, to our knowledge. The c.1999G>A variant is absent in gnomAD Exomes. The amino acid Glutamic acid atposition 667 is changed to a Lysine changing protein sequence and it might alter its composition and physico-chemicalproperties. The amino acid change p.Glu667Lys in CAMTA1 is predicted as conserved by GERP++ and PhyloP across 100 vertebrates.For these reasons, this variant has been classified as Uncertain Significance.

NM_015215.4(CAMTA1):c.1999G>A (p.Glu667Lys)

Gene: CAMTA1 (calmodulin binding transcription activator 1; plus strand). Cytogenetic location: 1p36.23.
Variant type: single nucleotide variant.
Coding change: c.1999G>A on transcript NM_015215.4 (MANE Select); coding-DNA position 1999, G replaced by A.
Protein change: p.Glu667Lys; replaces glutamic acid 667 with lysine.
Molecular consequence: missense variant.
Genome position (GRCh38, 1-based): chr1:7,664,546, G>A. VCF-style: chr1-7664546-G-A. GRCh37 (hg19) VCF-style: chr1-7724606-G-A.
Other names: c.1909G>A, p.Glu637Lys (NM_001349608.2, NM_001349612.2); c.1999G>A, p.Glu667Lys (NM_001349609.2, NM_001349610.2, NM_001410737.1); c.1927G>A, p.Glu643Lys (NM_001410738.1); short protein forms E637K, E643K, E667K.
Identifiers: ClinVar variation 3242030 (VCV003242030.1), dbSNP rs866487669.
Genomic context (GRCh38, chr1:7,664,546, plus strand): 5'-GTGAAAACGGAGGCCTCGTCCCAAACCAGCTCCTGCAGCGGTCACGTGGAGACGCGGATC[G>A]AGTCCACTTCCTCCCTCCACCTCATGCAGTTCCAGGCCAACTTCCAGGCCATGACGGCAG-3'
Protein context (NP_056030.1, residues 657-677): SCSGHVETRI[Glu667Lys]STSSLHLMQF